The following is an entry in ClinVar:

NM_004991.4(MECOM):c.1813A>G (p.Ile605Val)

Gene: MECOM (MDS1 and EVI1 complex locus; minus strand). Cytogenetic location: 3q26.2.
Variant type: single nucleotide variant.
Coding change: c.1813A>G on transcript NM_004991.4 (MANE Select); coding-DNA position 1813, A replaced by G.
Protein change: p.Ile605Val; replaces isoleucine 605 with valine.
Molecular consequence: missense variant. On other transcripts: intron variant (2).
Genome position (GRCh38, 1-based): chr3:169,116,059, T>C on the plus strand (A>G on the coding strand, the complement: MECOM is on the minus strand). VCF-style: chr3-169116059-T-C. GRCh37 (hg19) VCF-style: chr3-168833847-T-C.
Other names: c.1444A>G, p.Ile482Val (NM_001105077.4); c.1249A>G, p.Ile417Val (NM_001105078.4, NM_001164000.2, NM_001205194.2 and 4 more transcripts); c.1252A>G, p.Ile418Val (NM_001163999.2, NM_001366467.2, NM_001366468.2 and 1 more transcripts); c.1813A>G, p.Ile605Val (NM_001366466.2); c.1133-292A>G (NM_001366473.2); c.569-292A>G (NM_001366474.2); short protein forms I605V, I417V, I418V, I482V.
Identifiers: ClinVar variation 4053141 (VCV004053141.1).

ClinVar aggregate classification (germline): Uncertain significance (1 of 4 stars; one submission).

Conditions:
Inborn genetic diseases. Identifiers: MedGen C0950123, MeSH D030342.

gnomAD v4.1: 2 of 1,614,192 alleles (0.00012%); highest among the groups gnomAD compares: Non-Finnish European, 0.000085%; no homozygotes.

Submission:

Ambry Genetics
Classification: Uncertain significance for Inborn genetic diseases. Last evaluated: 2025-04-03. Review status: criteria provided, single submitter. Criteria: Ambry Variant Classification Scheme 2023. Collection method: clinical testing. Allele origin: germline.
Comment: The p.I605V variant (also known as c.1813A>G), located in coding exon 8 of the MECOM gene, results from an A to G substitution at nucleotide position 1813. The isoleucine at codon 605 is replaced by valine, an amino acid with highly similar properties. This amino acid position is conserved. In addition, this alteration is predicted to be tolerated by in silico analysis. Based on the available evidence, the clinical significance of this variant remains unclear.